The following is an entry in ClinVar:

NM_000548.5(TSC2):c.5208C>T (p.Tyr1736=)

Gene: TSC2 (TSC complex subunit 2; plus strand). Cytogenetic location: 16p13.3.
Variant type: single nucleotide variant.
Coding change: c.5208C>T on transcript NM_000548.5 (MANE Select); coding-DNA position 5208, C replaced by T.
Protein change: p.Tyr1736=; no amino-acid change (tyrosine 1736 retained).
Molecular consequence: synonymous variant.
Genome position (GRCh38, 1-based): chr16:2,088,274, C>T. VCF-style: chr16-2088274-C-T. GRCh37 (hg19) VCF-style: chr16-2138275-C-T.
Other names: c.5007C>T, p.Tyr1669= (NM_001077183.3); c.5139C>T, p.Tyr1713= (NM_001114382.3); c.4899C>T, p.Tyr1633= (NM_001318827.2); c.4863C>T, p.Tyr1621= (NM_001318829.2); c.4476C>T, p.Tyr1492= (NM_001318831.2); c.5040C>T, p.Tyr1680= (NM_001318832.2); c.5010C>T, p.Tyr1670= (NM_001363528.2); c.5076C>T, p.Tyr1692= (NM_001370404.1); and 2 more.
Identifiers: ClinVar variation 536053 (VCV000536053.50), dbSNP rs45517410, ClinGen allele CA054432.
Genomic context (GRCh38, chr16:2,088,274, plus strand): 5'-CCTACGTCCCCAGATGGCCTCACAGGTGCATCATAGCCGCTCCAACCCCACCGATATCTA[C>T]CCCTCCAAGTGGATTGCCCGGCTCCGCCACATCAAGCGGCTCCGCCAGCGGGTAGGGAAT-3'
Protein context (NP_000539.2, residues 1726-1746): HHSRSNPTDI[Tyr1736=]PSKWIARLRH

ClinVar aggregate classification (germline): Benign/Likely benign. Review status: criteria provided, multiple submitters, no conflicts (2 of 4 stars). 8 submissions from 8 submitters: Benign (4); Likely benign (4). Last evaluated 2026-01-20.

Conditions:
Hereditary cancer-predisposing syndrome. Also called: Hereditary Cancer Syndrome; Tumor predisposition; Neoplastic Syndromes, Hereditary; Hereditary neoplastic syndrome. Identifiers: Orphanet 140162, MedGen C0027672, MeSH D009386, MONDO:0015356.
Tuberous sclerosis syndrome (TSC). Also called: Tuberous Sclerosis Complex; Tuberous sclerosis. Identifiers: Orphanet 805, MedGen C0041341, MONDO:0001734.
Tuberous sclerosis 2 (TSC2). Identifiers: Orphanet 805, MedGen C1860707, MONDO:0013199, OMIM 613254.

Allele frequency attached by ClinVar (database versions not stated): gnomAD 0.00001; gnomAD exomes 0.00002 and 0.00006; ExAC 0.00007.
gnomAD v4.1: 27 of 1,612,976 alleles (0.0017%); highest among the groups gnomAD compares: East Asian, 0.011%; no homozygotes.

Submissions (8):

Labcorp Genetics (formerly Invitae), Labcorp
Classification: Benign for Tuberous sclerosis 2. Last evaluated: 2026-01-20. Review status: criteria provided, single submitter. Criteria: Invitae Variant Classification Sherloc (09022015). Collection method: clinical testing. Allele origin: germline.

Myriad Genetics, Inc.
Classification: Benign for Tuberous sclerosis 2. Last evaluated: 2025-06-06. Review status: criteria provided, single submitter. Criteria: Myriad Autosomal Dominant, Autosomal Recessive and X-Linked Classification Criteria (2023). Collection method: clinical testing. Allele origin: unknown.
Comment: This variant is considered benign. This variant is a silent/synonymous amino acid change and it is not expected to impact splicing.

Blueprint Genetics
Classification: Likely benign. Last evaluated: 2023-10-18. Review status: criteria provided, single submitter. Criteria: ACMG Guidelines, 2015. Collection method: clinical testing. Allele origin: germline.

Color Diagnostics, LLC DBA Color Health
Classification: Benign for Tuberous sclerosis syndrome. Last evaluated: 2023-01-09. Review status: criteria provided, single submitter. Criteria: ACMG Guidelines, 2015. Collection method: clinical testing. Allele origin: germline.

CeGaT Center for Human Genetics Tuebingen
Classification: Likely benign. Last evaluated: 2022-09-01. Review status: criteria provided, single submitter. Criteria: CeGaT Center For Human Genetics Tuebingen Variant Classification Criteria Version 2. Collection method: clinical testing. Allele origin: germline. Affected: yes. Observed: 1 variant allele.
Comment: TSC2: BP4, BP7

Genome-Nilou Lab
Classification: Benign for Tuberous sclerosis 2. Last evaluated: 2021-11-07. Review status: criteria provided, single submitter. Criteria: ACMG Guidelines, 2015. Collection method: clinical testing. Allele origin: germline. Affected: no.

Ambry Genetics
Classification: Likely benign for Hereditary cancer-predisposing syndrome. Last evaluated: 2018-09-07. Review status: criteria provided, single submitter. Criteria: Ambry Variant Classification Scheme 2023. Collection method: clinical testing. Allele origin: germline.

GeneDx
Classification: Likely benign. Last evaluated: 2018-06-18. Review status: criteria provided, single submitter. Criteria: GeneDx Variant Classification (06012015). Collection method: clinical testing. Allele origin: germline. Affected: yes.
Comment: This variant is considered likely benign or benign based on one or more of the following criteria: it is a conservative change, it occurs at a poorly conserved position in the protein, it is predicted to be benign by multiple in silico algorithms, and/or has population frequency not consistent with disease.